The following is an entry in ClinVar:

NM_017649.5(CNNM2):c.2354C>T (p.Ser785Leu)

Gene: CNNM2 (cyclin and CBS domain divalent metal cation transport mediator 2; plus strand). Cytogenetic location: 10q24.32.
Variant type: single nucleotide variant.
Coding change: c.2354C>T on transcript NM_017649.5 (MANE Select); coding-DNA position 2354, C replaced by T.
Protein change: p.Ser785Leu; replaces serine 785 with leucine.
Molecular consequence: missense variant.
Genome position (GRCh38, 1-based): chr10:103,076,206, C>T. VCF-style: chr10-103076206-C-T. GRCh37 (hg19) VCF-style: chr10-104835963-C-T.
Other names: c.2288C>T, p.Ser763Leu (NM_199076.3); short protein forms S763L, S785L.
Identifiers: ClinVar variation 2575702 (VCV002575702.2), dbSNP rs1256298908, ClinGen allele CA377964166.
Genomic context (GRCh38, chr10:103,076,206, plus strand): 5'-GCGACCGGATTGACGCCGTCACACCAACACTGGGGAGCAGCAATAACCAGCTCAATTCTT[C>T]GCTCCTCCAAGTCTACATCCCCGATTACTCGGTGCGAGCCCTTTCGGATCTGCAGTTTGT-3'
Protein context (NP_060119.3, residues 775-795): LGSSNNQLNS[Ser785Leu]LLQVYIPDYS

ClinVar aggregate classification (germline): Uncertain significance. Review status: criteria provided, multiple submitters, no conflicts (2 of 4 stars). 2 submissions from 2 submitters: Uncertain significance (2). Last evaluated 2024-03-20.

Conditions:
Hypomagnesemia, seizures, and impaired intellectual development 1. Also called: Hypomagnesemia, seizures, and intellectual disability 1. Identifiers: Orphanet 34527, MedGen C4225333, MONDO:0020787, OMIM 616418.
Renal hypomagnesemia 6. Identifiers: Orphanet 34527, MedGen C3151295, MONDO:0013480, OMIM 613882.

gnomAD v4.1: 7 of 1,589,940 alleles (0.00044%); highest among the groups gnomAD compares: East Asian, 0.0023%; no homozygotes.

Submissions (2):

Fulgent Genetics
Classification: Uncertain significance for Renal hypomagnesemia 6; Hypomagnesemia, seizures, and impaired intellectual development 1. Last evaluated: 2024-03-20. Review status: criteria provided, single submitter. Criteria: ACMG Guidelines, 2015. Collection method: clinical testing. Allele origin: germline.

GeneDx
Classification: Uncertain significance. Last evaluated: 2023-01-24. Review status: criteria provided, single submitter. Criteria: GeneDx Variant Classification Process June 2021. Collection method: clinical testing. Allele origin: germline. Affected: yes.
Comment: In silico analysis supports that this missense variant has a deleterious effect on protein structure/function; Has not been previously published as pathogenic or benign to our knowledge